The following is an entry in ClinVar:

NM_004998.4(MYO1E):c.1530+10A>G

Gene: MYO1E (myosin IE; minus strand). Cytogenetic location: 15q22.2.
Variant type: single nucleotide variant.
Coding change: c.1530+10A>G on transcript NM_004998.4 (MANE Select); 10 bases into the intron after coding-DNA position 1530, A replaced by G.
Molecular consequence: intron variant.
Genome position (GRCh38, 1-based): chr15:59,208,671, T>C on the plus strand (A>G on the coding strand, the complement: MYO1E is on the minus strand). VCF-style: chr15-59208671-T-C. GRCh37 (hg19) VCF-style: chr15-59500870-T-C.
Identifiers: ClinVar variation 5000304 (VCV005000304.1).

ClinVar aggregate classification (germline): Likely benign (1 of 4 stars; one submission).

Conditions:
MYO1E-related disorder. Also called: MYO1E-related condition.

gnomAD v4.1: 4 of 1,614,180 alleles (0.00025%); highest among the groups gnomAD compares: Admixed American, 0.0033%; no homozygotes.

Submission:

PreventionGenetics, part of Exact Sciences
Classification: Likely benign for MYO1E-related condition. Last evaluated: 2026-02-23. Review status: criteria provided, single submitter. Criteria: ACMG Guidelines, 2015. Collection method: clinical testing. Allele origin: germline.
Comment: This variant is classified as likely benign based on ACMG/AMP sequence variant interpretation guidelines (Richards et al. 2015 PMID: 25741868, with internal and published modifications).